The following is an entry in ClinVar:

NM_017635.5(KMT5B):c.1411G>T (p.Glu471Ter)

Gene: KMT5B (lysine methyltransferase 5B; minus strand). Cytogenetic location: 11q13.2.
Variant type: single nucleotide variant.
Coding change: c.1411G>T on transcript NM_017635.5 (MANE Select); coding-DNA position 1411, G replaced by T.
Protein change: p.Glu471Ter; replaces glutamic acid 471 with a stop codon.
Molecular consequence: nonsense.
Genome position (GRCh38, 1-based): chr11:68,158,935, C>A on the plus strand (G>T on the coding strand, the complement: KMT5B is on the minus strand). VCF-style: chr11-68158935-C-A. GRCh37 (hg19) VCF-style: chr11-67926402-C-A.
Other names: c.895G>T, p.Glu299Ter (NM_001300907.1, NM_001369428.1, NM_001369429.1 and 4 more transcripts); c.691G>T, p.Glu231Ter (NM_001300908.2); c.1411G>T, p.Glu471Ter (NM_001369426.1); short protein forms E231*, E299*, E471*.
Identifiers: ClinVar variation 1708391 (VCV001708391.2), dbSNP rs2496205950, ClinGen allele CA381594738.

ClinVar aggregate classification (germline): Pathogenic (1 of 4 stars; one submission).

Conditions:
Intellectual developmental disorder, autosomal dominant 51. Also called: Intellectual disability, autosomal dominant 51; MENTAL RETARDATION, AUTOSOMAL DOMINANT 51. Identifiers: Orphanet 684226, MedGen C4540474, MONDO:0030917, OMIM 617788.

Submission:

Centre of Medical Genetics, University Hospital Muenster
Classification: Pathogenic for Intellectual developmental disorder, autosomal dominant 51. Last evaluated: 2022-06-07. Review status: criteria provided, single submitter. Criteria: ACMG Guidelines, 2015. Collection method: clinical testing. Allele origin: unknown. Affected: yes. Observed: 1 variant allele, 1 heterozygote.
Comment: ACMG categories: PVS1,PM2,PP3